The following is an entry in ClinVar:

NM_004168.4(SDHA):c.151-15A>T

Gene: SDHA (succinate dehydrogenase complex flavoprotein subunit A; plus strand). Cytogenetic location: 5p15.33.
Variant type: single nucleotide variant.
Coding change: c.151-15A>T on transcript NM_004168.4 (MANE Select); 15 bases into the intron before coding-DNA position 151, A replaced by T.
Molecular consequence: intron variant.
Genome position (GRCh38, 1-based): chr5:224,345, A>T. VCF-style: chr5-224345-A-T. GRCh37 (hg19) VCF-style: chr5-224460-A-T.
Other names: c.151-15A>T (NM_001330758.2, NM_001294332.2).
Identifiers: ClinVar variation 3755413 (VCV003755413.3).

ClinVar aggregate classification (germline): Likely benign. Review status: criteria provided, multiple submitters, no conflicts (2 of 4 stars). 2 submissions from 2 submitters: Likely benign (2). Last evaluated 2025-02-28.

Conditions:
Pheochromocytoma/paraganglioma syndrome 5. Also called: Paragangliomas 5; SDHA-Related Hereditary Paraganglioma-Pheochromocytoma Syndrome. Identifiers: Orphanet 29072, MedGen C3279992, MONDO:0013602, OMIM 614165.
Mitochondrial complex II deficiency, nuclear type 1. Also called: SUCCINATE CoQ REDUCTASE DEFICIENCY. Identifiers: Orphanet 3208, MedGen C5700310, MONDO:0100294, OMIM 252011.

Submissions (2):

Myriad Genetics, Inc.
Classification: Likely benign for Pheochromocytoma/paraganglioma syndrome 5. Last evaluated: 2025-02-28. Review status: criteria provided, single submitter. Criteria: Myriad Autosomal Dominant, Autosomal Recessive and X-Linked Classification Criteria (2023). Collection method: clinical testing. Allele origin: unknown.
Comment: This variant is considered likely benign. This variant is intronic and is not expected to impact mRNA splicing.

Labcorp Genetics (formerly Invitae), Labcorp
Classification: Likely benign for Pheochromocytoma/paraganglioma syndrome 5; Mitochondrial complex II deficiency, nuclear type 1. Last evaluated: 2024-03-20. Review status: criteria provided, single submitter. Criteria: Invitae Variant Classification Sherloc (09022015). Collection method: clinical testing. Allele origin: germline.